The following is an entry in ClinVar:

ClinVar aggregate classification (germline): Uncertain significance (1 of 4 stars; one submission).

Submission:

GeneDx
Classification: Uncertain significance. Last evaluated: 2025-07-05. Review status: criteria provided, single submitter. Criteria: GeneDx Variant Classification Process June 2021. Collection method: clinical testing. Allele origin: germline. Affected: yes.
Comment: Not observed at significant frequency in large population cohorts (gnomAD); In silico analysis supports that this missense variant has a deleterious effect on protein structure/function; Has not been previously published as pathogenic or benign to our knowledge

NM_144658.4(DOCK11):c.3340T>C (p.Phe1114Leu)

Gene: DOCK11 (dedicator of cytokinesis 11; plus strand). Cytogenetic location: Xq24.
Variant type: single nucleotide variant.
Coding change: c.3340T>C on transcript NM_144658.4 (MANE Select); coding-DNA position 3340, T replaced by C.
Protein change: p.Phe1114Leu; replaces phenylalanine 1114 with leucine.
Molecular consequence: missense variant.
Genome position (GRCh38, 1-based): chrX:118,618,597, T>C. VCF-style: chrX-118618597-T-C. GRCh37 (hg19) VCF-style: chrX-117752560-T-C.
Other names: short protein forms F1114L.
Identifiers: ClinVar variation 4681011 (VCV004681011.1).
Genomic context (GRCh38, chrX:118,618,597, plus strand): 5'-CATTGTACTGCAGATTCAAATCTTGAATACAGTTTATCAGATGAGTATTGCAAGCATCAC[T>C]TCTTGGTTGGTCTACTTCTGAGGGAAACTTCCATTGCTCTTCAGGACAATTATGAGATCA-3'
Protein context (NP_653259.3, residues 1104-1124): SLSDEYCKHH[Phe1114Leu]LVGLLLRETS